The following is an entry in ClinVar:

ClinVar aggregate classification (germline): Uncertain significance (1 of 4 stars; one submission).

Conditions:
Alpha thalassemia-X-linked intellectual disability syndrome (ATRX). Also called: ALPHA-THALASSEMIA/MENTAL RETARDATION SYNDROME, X-LINKED; ATR, NONDELETION TYPE; ATR-X syndrome; Alpha thalassemia mental retardation syndrome, nondeletion type, X-linked; XLMR hypotonic face syndrome; X-linked alpha-thalassemia-mental retardation syndrome. Identifiers: Orphanet 847, MedGen C1845055, MONDO:0010519, OMIM 301040.

Submission:

Labcorp Genetics (formerly Invitae), Labcorp
Classification: Uncertain significance for Alpha thalassemia-X-linked intellectual disability syndrome. Last evaluated: 2024-01-04. Review status: criteria provided, single submitter. Criteria: Invitae Variant Classification Sherloc (09022015). Collection method: clinical testing. Allele origin: germline.
Comment: This sequence change replaces serine, which is neutral and polar, with proline, which is neutral and non-polar, at codon 560 of the ATRX protein (p.Ser560Pro). This variant is not present in population databases (gnomAD no frequency). This variant has not been reported in the literature in individuals affected with ATRX-related conditions. Advanced modeling of protein sequence and biophysical properties (such as structural, functional, and spatial information, amino acid conservation, physicochemical variation, residue mobility, and thermodynamic stability) performed at Invitae indicates that this missense variant is not expected to disrupt ATRX protein function with a negative predictive value of 95%. In summary, the available evidence is currently insufficient to determine the role of this variant in disease. Therefore, it has been classified as a Variant of Uncertain Significance.

NM_000489.6(ATRX):c.1678T>C (p.Ser560Pro)

Gene: ATRX (ATRX chromatin remodeler; minus strand). Cytogenetic location: Xq21.1.
Variant type: single nucleotide variant.
Coding change: c.1678T>C on transcript NM_000489.6 (MANE Select); coding-DNA position 1678, T replaced by C.
Protein change: p.Ser560Pro; replaces serine 560 with proline.
Molecular consequence: missense variant.
Genome position (GRCh38, 1-based): chrX:77,683,578, A>G on the plus strand (T>C on the coding strand, the complement: ATRX is on the minus strand). VCF-style: chrX-77683578-A-G. GRCh37 (hg19) VCF-style: chrX-76939070-A-G.
Other names: c.1564T>C, p.Ser522Pro (NM_138270.5); short protein forms S522P, S560P.
Identifiers: ClinVar variation 2707363 (VCV002707363.3), dbSNP rs2148617106, ClinGen allele CA413716959.